The following is an entry in ClinVar:

ClinVar aggregate classification (germline): Uncertain significance. Review status: criteria provided, multiple submitters, no conflicts (2 of 4 stars). 3 submissions from 3 submitters: Uncertain significance (3). Last evaluated 2024-01-18.

Conditions:
Niemann-Pick disease, type C1. Also called: NEUROVISCERAL STORAGE DISEASE WITH VERTICAL SUPRANUCLEAR OPHTHALMOPLEGIA; NIEMANN-PICK DISEASE WITH CHOLESTEROL ESTERIFICATION BLOCK; NIEMANN-PICK DISEASE WITHOUT SPHINGOMYELINASE DEFICIENCY; NIEMANN-PICK DISEASE, CHRONIC NEURONOPATHIC FORM; NIEMANN-PICK DISEASE, VARIANT TYPE C1. Identifiers: Orphanet 646, MedGen C3179455, MONDO:0009757, OMIM 257220.

Allele frequency attached by ClinVar (database versions not stated): gnomAD 0.00001; TOPMed 0.00002; gnomAD exomes 0.00003 and 0.00004; ExAC 0.00004; ESP Exome Variant Server 0.00008.

Submissions (3):

Labcorp Genetics (formerly Invitae), Labcorp
Classification: Uncertain significance for Niemann-Pick disease, type C1. Last evaluated: 2024-01-18. Review status: criteria provided, single submitter. Criteria: Invitae Variant Classification Sherloc (09022015). Collection method: clinical testing. Allele origin: germline.
Comment: This sequence change replaces alanine, which is neutral and non-polar, with valine, which is neutral and non-polar, at codon 659 of the NPC1 protein (p.Ala659Val). This variant is present in population databases (rs140786703, gnomAD 0.006%). This variant has not been reported in the literature in individuals affected with NPC1-related conditions. ClinVar contains an entry for this variant (Variation ID: 1302033). Advanced modeling of protein sequence and biophysical properties (such as structural, functional, and spatial information, amino acid conservation, physicochemical variation, residue mobility, and thermodynamic stability) performed at Invitae indicates that this missense variant is not expected to disrupt NPC1 protein function with a negative predictive value of 95%. In summary, the available evidence is currently insufficient to determine the role of this variant in disease. Therefore, it has been classified as a Variant of Uncertain Significance.

GeneDx
Classification: Uncertain significance. Last evaluated: 2019-04-23. Review status: criteria provided, single submitter. Criteria: GeneDx Variant Classification Process June 2021. Collection method: clinical testing. Allele origin: germline. Affected: yes.
Comment: Not observed at a significant frequency in large population cohorts; The majority of missense variants in this gene are considered pathogenic; In silico analysis, which includes protein predictors and evolutionary conservation, supports a deleterious effect; Has not been previously published as pathogenic or benign to our knowledge

Breakthrough Genomics
Classification: Uncertain significance. Review status: criteria provided, single submitter. Criteria: ACMG Guidelines, 2015. Collection method: not provided. Allele origin: germline. Inheritance: Autosomal recessive inheritance. Affected: yes.

NM_000271.5(NPC1):c.1976C>T (p.Ala659Val)

Gene: NPC1 (NPC intracellular cholesterol transporter 1; minus strand). Cytogenetic location: 18q11.2.
Variant type: single nucleotide variant.
Coding change: c.1976C>T on transcript NM_000271.5 (MANE Select); coding-DNA position 1976, C replaced by T.
Protein change: p.Ala659Val; replaces alanine 659 with valine.
Molecular consequence: missense variant.
Genome position (GRCh38, 1-based): chr18:23,544,498, G>A on the plus strand (C>T on the coding strand, the complement: NPC1 is on the minus strand). VCF-style: chr18-23544498-G-A. GRCh37 (hg19) VCF-style: chr18-21124462-G-A.
Other names: short protein forms A659V.
Identifiers: ClinVar variation 1302033 (VCV001302033.6), dbSNP rs140786703, ClinGen allele CA8913247.